The following is an entry in ClinVar:

NM_001352005.2(NTM):c.366C>T (p.His122=)

Gene: NTM (neurotrimin; plus strand). Cytogenetic location: 11q25.
Variant type: single nucleotide variant.
Coding change: c.366C>T on transcript NM_001352005.2 (MANE Select); coding-DNA position 366, C replaced by T.
Protein change: p.His122=; no amino-acid change (histidine 122 retained).
Molecular consequence: synonymous variant. On other transcripts: non-coding transcript variant (18).
Genome position (GRCh38, 1-based): chr11:132,146,480, C>T. VCF-style: chr11-132146480-C-T. GRCh37 (hg19) VCF-style: chr11-132016374-C-T.
Other names: c.366C>T, p.His122= (NM_001048209.2, NM_001144058.2, NM_001144059.3 and 5 more transcripts); c.339C>T, p.His113= (NM_001352006.2, NM_001352007.2); c.309C>T, p.His103= (NM_001352008.2); c.243C>T, p.His81= (NM_001352009.2, NM_001386966.1, NM_001386968.1 and 1 more transcripts); c.324C>T, p.His108= (NM_001386964.1); c.261C>T, p.His87= (NM_001386965.1); c.351C>T, p.His117= (NM_001386967.1).
Identifiers: ClinVar variation 3387950 (VCV003387950.14).

ClinVar aggregate classification (germline): Benign (1 of 4 stars; one submission).

gnomAD v4.1: 6,233 of 1,614,134 alleles (0.39%); highest among the groups gnomAD compares: South Asian, 1%; 26 homozygotes.

Submission:

CeGaT Center for Human Genetics Tuebingen
Classification: Benign. Last evaluated: 2024-10-01. Review status: criteria provided, single submitter. Criteria: CeGaT Center For Human Genetics Tuebingen Variant Classification Criteria Version 2. Collection method: clinical testing. Allele origin: germline. Affected: yes. Observed: 1 variant allele.
Comment: NTM: BP4, BS1, BS2